The following is an entry in ClinVar:

NM_000868.4(HTR2C):c.118A>G (p.Thr40Ala)

Gene: HTR2C (5-hydroxytryptamine receptor 2C; plus strand). Cytogenetic location: Xq23.
Variant type: single nucleotide variant.
Coding change: c.118A>G on transcript NM_000868.4 (MANE Select); coding-DNA position 118, A replaced by G.
Protein change: p.Thr40Ala; replaces threonine 40 with alanine.
Molecular consequence: missense variant.
Genome position (GRCh38, 1-based): chrX:114,731,376, A>G. VCF-style: chrX-114731376-A-G. GRCh37 (hg19) VCF-style: chrX-113965785-A-G.
Other names: c.118A>G, p.Thr40Ala (NM_001256760.3, NM_001256761.3); short protein forms T40A.
Identifiers: ClinVar variation 3353183 (VCV003353183.1).

ClinVar aggregate classification (germline): Uncertain significance (0 of 4 stars; one submission).

Conditions:
HTR2C-related disorder. Also called: HTR2C-related condition.

gnomAD v4.1: 2 of 1,203,470 alleles (0.00017%); highest among the groups gnomAD compares: African/African-American, 0.0035%; no homozygotes.

Submission:

PreventionGenetics, part of Exact Sciences
Classification: Uncertain significance for HTR2C-related condition. Last evaluated: 2024-02-07. Review status: no assertion criteria provided. Collection method: clinical testing. Allele origin: germline.
Comment: The HTR2C c.118A>G variant is predicted to result in the amino acid substitution p.Thr40Ala. To our knowledge, this variant has not been reported in the literature or in a large population database, indicating this variant is rare. At this time, the clinical significance of this variant is uncertain due to the absence of conclusive functional and genetic evidence.